The following is an entry in ClinVar:

ClinVar aggregate classification (germline): Pathogenic (1 of 4 stars; one submission).

Submission:

GeneDx
Classification: Pathogenic. Last evaluated: 2016-08-02. Review status: criteria provided, single submitter. Criteria: GeneDx Variant Classification (06012015). Collection method: clinical testing. Allele origin: germline. Affected: yes.
Comment: This deletion of one nucleotide in MSH6 is denoted c.2371delC at the cDNA level and p.Arg791ValfsX2 (R791VfsX2) at the protein level. The normal sequence, with the base that is deleted in braces, is TGAT{C}GTCT. The deletion causes a frameshift which changes an Arginine to a Valine at codon 791, and creates a premature stop codon at position 2 of the new reading frame. Although this variant has not, to our knowledge, been reported in the literature, it is predicted to cause loss of normal protein function through either protein truncation or nonsense-mediated mRNA decay. The International Society for Gastrointestinal Hereditary Tumors Incorporated (InSiGHT) classifies this variant as pathogenic (Thompson 2014). Therefore, based on the ACMG recommendations, c.2371delC is interpreted as an expected pathogenic sequence change.

NM_000179.3(MSH6):c.2371del (p.Arg791fs)

Gene: MSH6 (mutS homolog 6; plus strand). Cytogenetic location: 2p16.3.
Variant type: Deletion.
Coding change: c.2371del on transcript NM_000179.3 (MANE Select); coding-DNA position 2371, one base deleted (C; older notation c.2371delC).
Protein change: p.Arg791fs; shifts the reading frame from arginine 791.
Molecular consequence: frameshift variant.
Genome position (GRCh38, 1-based): chr2:47,800,354, C deleted. VCF-style (leftmost placement, unchanged base first): chr2-47800353-TC-T. GRCh37 (hg19) VCF-style: chr2-48027492-TC-T.
Other names: c.2371delC (NM_000179.2); c.1981del, p.Arg661fs (NM_001281492.2); c.1465del, p.Arg489fs (NM_001281493.2, NM_001281494.2); short protein forms R489fs, R661fs, R791fs.
Identifiers: ClinVar variation 280766 (VCV000280766.2), dbSNP rs886041913, ClinGen allele CA10602887.